The following is an entry in ClinVar:

ClinVar aggregate classification (germline): Conflicting classifications of pathogenicity. Review status: criteria provided, conflicting classifications (1 of 4 stars). 2 submissions from 2 submitters: Uncertain significance (1); Likely benign (1). Last evaluated 2025-06-23.

Conditions:
Familial thoracic aortic aneurysm and aortic dissection (TAAD). Also called: Thoracic aortic aneurysms and dissections. Identifiers: Orphanet 91387, MedGen C4707243, MONDO:0019625.
Weill-Marchesani syndrome 2, dominant. Also called: Weill-Marchesani Syndrome, Autosomal Dominant; FBN1-Related Weill-Marchesani Syndrome. Identifiers: Orphanet 2084, MedGen C1869115, MONDO:0012013, OMIM 608328.
Progeroid and marfanoid aspect-lipodystrophy syndrome. Also called: Marfan lipodystrophy syndrome; MARFANOID-PROGEROID SYNDROME; MARFAN-PROGEROID-LIPODYSTROPHY SYNDROME; MARFANOID-PROGEROID-LIPODYSTROPHY SYNDROME. Identifiers: Orphanet 300382, MedGen C4310796, MONDO:0014831, OMIM 616914.
Stiff skin syndrome (SSKS). Identifiers: Orphanet 2833, MedGen C1861456, MONDO:0008492, OMIM 184900.
Acromicric dysplasia (ACMICD). Also called: Acromicric skeletal dysplasia. Identifiers: Orphanet 969, MedGen C0265287, MONDO:0007055, OMIM 102370.
Geleophysic dysplasia 2 (GPHYSD2). Identifiers: Orphanet 2623, MedGen C3280054, MONDO:0013612, OMIM 614185.
Ectopia lentis 1, isolated, autosomal dominant (ECTOL1). Identifiers: Orphanet 1885, MedGen C3541518, MONDO:0007514, OMIM 129600.
Marfan syndrome (MFS). Also called: FBN1-Related Marfan Syndrome; Marfan syndrome type 1; Marfan's syndrome; Marfan syndrome, classic; MARFAN SYNDROME, TYPE I. Identifiers: Orphanet 284963, Orphanet 558, MedGen C0024796, MONDO:0007947, OMIM 154700.
MASS syndrome (OCTD). Also called: MASS PHENOTYPE; OVERLAP CONNECTIVE TISSUE DISEASE. Identifiers: MedGen C1858556, MONDO:0011431, OMIM 604308.

Submissions (2):

Color Diagnostics, LLC DBA Color Health
Classification: Likely benign for Familial thoracic aortic aneurysm and aortic dissection. Last evaluated: 2025-06-23. Review status: criteria provided, single submitter. Criteria: ACMG Guidelines, 2015. Collection method: clinical testing. Allele origin: germline.

Center for Genomics, Ann and Robert H. Lurie Children's Hospital of Chicago
Classification: Uncertain significance for Acromicric dysplasia; Ectopia lentis 1, isolated, autosomal dominant; Geleophysic dysplasia 2; MASS syndrome; Progeroid and marfanoid aspect-lipodystrophy syndrome; Marfan syndrome; Stiff skin syndrome; Weill-Marchesani syndrome 2, dominant. Last evaluated: 2017-12-01. Review status: criteria provided, single submitter. Criteria: ACMG Guidelines, 2015. Collection method: clinical testing. Allele origin: germline.
Comment: FBN1 NM_000138.4 exon 57 p.Asn2319= (c.6957T>C): This variant has not been reported in the literature and is not present in large control databases. Evolutionary conservation and computational predictive tools for this variant are limited or unavailable. Of note, this variant is a silent variant and does not change the amino acid, reducing the probability that this variant is disease causing. In summary, data on this variant is insufficient for disease classification. Therefore, the clinical significance of this variant is uncertain.

NM_000138.5(FBN1):c.6957T>C (p.Asn2319=)

Gene: FBN1 (fibrillin 1; minus strand). Cytogenetic location: 15q21.1.
Variant type: single nucleotide variant.
Coding change: c.6957T>C on transcript NM_000138.5 (MANE Select); coding-DNA position 6957, T replaced by C.
Protein change: p.Asn2319=; no amino-acid change (asparagine 2319 retained).
Molecular consequence: synonymous variant.
Genome position (GRCh38, 1-based): chr15:48,428,386, A>G on the plus strand (T>C on the coding strand, the complement: FBN1 is on the minus strand). VCF-style: chr15-48428386-A-G. GRCh37 (hg19) VCF-style: chr15-48720583-A-G.
Identifiers: ClinVar variation 626101 (VCV000626101.2), dbSNP rs1290478839, ClinGen allele CA490017817.